The following is an entry in ClinVar:

ClinVar aggregate classification (germline): Conflicting classifications of pathogenicity. Review status: criteria provided, conflicting classifications (1 of 4 stars). 2 submissions from 2 submitters: Uncertain significance (1); Likely benign (1). Last evaluated 2022-09-15.

Allele frequency attached by ClinVar (database versions not stated): gnomAD 0.00001; gnomAD exomes 0.00001; ExAC 0.00002.
gnomAD v4.1: 9 of 1,613,902 alleles (0.00056%); highest among the groups gnomAD compares: Admixed American, 0.0033%; no homozygotes.

Submissions (2):

Labcorp Genetics (formerly Invitae), Labcorp
Classification: Uncertain significance. Last evaluated: 2022-09-15. Review status: criteria provided, single submitter. Criteria: Invitae Variant Classification Sherloc (09022015). Collection method: clinical testing. Allele origin: germline.
Comment: This sequence change falls in intron 37 of the COL9A1 gene. It does not directly change the encoded amino acid sequence of the COL9A1 protein. It affects a nucleotide within the consensus splice site. This variant is present in population databases (rs760704462, gnomAD 0.006%). This variant has not been reported in the literature in individuals affected with COL9A1-related conditions. ClinVar contains an entry for this variant (Variation ID: 1203682). Variants that disrupt the consensus splice site are a relatively common cause of aberrant splicing (PMID: 17576681, 9536098). Algorithms developed to predict the effect of sequence changes on RNA splicing suggest that this variant is not likely to affect RNA splicing. In summary, the available evidence is currently insufficient to determine the role of this variant in disease. Therefore, it has been classified as a Variant of Uncertain Significance.

GeneDx
Classification: Likely benign. Last evaluated: 2019-01-22. Review status: criteria provided, single submitter. Criteria: GeneDx Variant Classification Process June 2021. Collection method: clinical testing. Allele origin: germline. Affected: yes.

Literature cited by the submitters: PubMed 17576681 (cited by Labcorp Genetics (formerly Invitae), Labcorp); PubMed 9536098 (cited by Labcorp Genetics (formerly Invitae), Labcorp).

NM_001851.6(COL9A1):c.2582-3C>T

Gene: COL9A1 (collagen type IX alpha 1 chain; minus strand). Cytogenetic location: 6q13.
Variant type: single nucleotide variant.
Coding change: c.2582-3C>T on transcript NM_001851.6 (MANE Select); 3 bases into the intron before coding-DNA position 2582, C replaced by T.
Molecular consequence: intron variant.
Genome position (GRCh38, 1-based): chr6:70,217,084, G>A on the plus strand (C>T on the coding strand, the complement: COL9A1 is on the minus strand). VCF-style: chr6-70217084-G-A. GRCh37 (hg19) VCF-style: chr6-70926787-G-A.
Other names: c.1706-3C>T (NM_001377290.1); c.1853-3C>T (NM_078485.4); c.1883-3C>T (NM_001377289.1).
Identifiers: ClinVar variation 1203682 (VCV001203682.5), dbSNP rs760704462, ClinGen allele CA3881715.
Genomic context (GRCh38, chr6:70,217,084, plus strand): 5'-GGGGGGCCTCGCTCACCGTCTCGGCCATTTCTGCCATAGCTGGCAGGGCCTGGGTCACCT[G>A]AAACACACAGAAGATTGCACATGTGAACAGGAGAATCCTCATTGATGCAAACTGGCAGAG-3'